The following is an entry in ClinVar:

NM_006922.4(SCN3A):c.1745G>C (p.Gly582Ala)

Gene: SCN3A (sodium voltage-gated channel alpha subunit 3; minus strand). Cytogenetic location: 2q24.3.
Variant type: single nucleotide variant.
Coding change: c.1745G>C on transcript NM_006922.4 (MANE Select); coding-DNA position 1745, G replaced by C.
Protein change: p.Gly582Ala; replaces glycine 582 with alanine.
Molecular consequence: missense variant.
Genome position (GRCh38, 1-based): chr2:165,140,925, C>G on the plus strand (G>C on the coding strand, the complement: SCN3A is on the minus strand). VCF-style: chr2-165140925-C-G. GRCh37 (hg19) VCF-style: chr2-165997435-C-G.
Other names: c.1745G>C, p.Gly582Ala (NM_001081676.2, NM_001081677.2); short protein forms G582A.
Identifiers: ClinVar variation 2772433 (VCV002772433.3), dbSNP rs1383342656, ClinGen allele CA349046975.
Genomic context (GRCh38, chr2:165,140,925, plus strand): 5'-TCAAATGTGCTGTGTTCATCATCAGCAAAGTCATTTTCAGATCCAACATCCTTTGCCCGA[C>G]CTCTGAAACTGAAAATGCTTGTTTTGCTATTGCGTCTTGGGGAAAACAGGGAGCCACGGA-3'
Protein context (NP_008853.3, residues 572-592): NSKTSIFSFR[Gly582Ala]RAKDVGSEND

ClinVar aggregate classification (germline): Uncertain significance (1 of 4 stars; one submission).

Allele frequency attached by ClinVar (database versions not stated): gnomAD exomes below 0.00001.
gnomAD v4.1: 1 of 1,613,998 alleles (0.000062%); highest among the groups gnomAD compares: Non-Finnish European, 0.000085%; no homozygotes.

Submission:

Labcorp Genetics (formerly Invitae), Labcorp
Classification: Uncertain significance. Last evaluated: 2023-10-28. Review status: criteria provided, single submitter. Criteria: Invitae Variant Classification Sherloc (09022015). Collection method: clinical testing. Allele origin: germline.
Comment: This sequence change replaces glycine, which is neutral and non-polar, with alanine, which is neutral and non-polar, at codon 582 of the SCN3A protein (p.Gly582Ala). This variant is present in population databases (no rsID available, gnomAD 0.0009%). This variant has not been reported in the literature in individuals affected with SCN3A-related conditions. Advanced modeling of protein sequence and biophysical properties (such as structural, functional, and spatial information, amino acid conservation, physicochemical variation, residue mobility, and thermodynamic stability) performed at Invitae indicates that this missense variant is not expected to disrupt SCN3A protein function with a negative predictive value of 95%. In summary, the available evidence is currently insufficient to determine the role of this variant in disease. Therefore, it has been classified as a Variant of Uncertain Significance.